The following is an entry in ClinVar:

ClinVar aggregate classification (germline): Pathogenic (1 of 4 stars; one submission).

Conditions:
Alkaptonuria (AKU). Also called: HOMOGENTISIC ACID OXIDASE DEFICIENCY; Alcaptonuria; Homogentisic acidura; Alkaptonuric ochronosis. Identifiers: Orphanet 56, MedGen C0002066, MONDO:0008753, OMIM 203500.

Submission:

Myriad Genetics, Inc.
Classification: Pathogenic for Alkaptonuria. Last evaluated: 2023-08-22. Review status: criteria provided, single submitter. Criteria: Myriad Autosomal Dominant, Autosomal Recessive and X-Linked Classification Criteria (2023). Collection method: clinical testing. Allele origin: unknown.
Comment: NM_000187.3(HGD):c.254G>A(W85*) is expected to be pathogenic in the context of alkaptonuria. This variant is predicted to lead to an abnormal or absent protein product due to the creation of a premature termination codon in HGD, a gene where loss-of-function variants are known to be pathogenic. Please note: this variant was assessed in the context of healthy population screening.

NM_000187.4(HGD):c.254G>A (p.Trp85Ter)

Gene: HGD (homogentisate 1,2-dioxygenase; minus strand). Cytogenetic location: 3q13.33.
Variant type: single nucleotide variant.
Coding change: c.254G>A on transcript NM_000187.4 (MANE Select); coding-DNA position 254, G replaced by A.
Protein change: p.Trp85Ter; replaces tryptophan 85 with a stop codon.
Molecular consequence: nonsense.
Genome position (GRCh38, 1-based): chr3:120,670,455, C>T on the plus strand (G>A on the coding strand, the complement: HGD is on the minus strand). VCF-style: chr3-120670455-C-T. GRCh37 (hg19) VCF-style: chr3-120389302-C-T.
Other names: short protein forms W85*.
Identifiers: ClinVar variation 5011453 (VCV005011453.1).